The following is an entry in ClinVar:

NM_024496.4(IRF2BPL):c.90C>T (p.Phe30=)

Genes: IRF2BPL (interferon regulatory factor 2 binding protein like; minus strand), LOC107984638 (uncharacterized LOC107984638; plus strand). Cytogenetic location: 14q24.3.
Variant type: single nucleotide variant.
Coding change: c.90C>T on transcript NM_024496.4 (MANE Select); coding-DNA position 90, C replaced by T.
Protein change: p.Phe30=; no amino-acid change (phenylalanine 30 retained).
Molecular consequence: synonymous variant.
Genome position (GRCh38, 1-based): chr14:77,027,703, G>A on the plus strand (C>T on the coding strand, the complement: IRF2BPL is on the minus strand). VCF-style: chr14-77027703-G-A. GRCh37 (hg19) VCF-style: chr14-77494046-G-A.
Other names: c.90C>T (NM_024496.3).
Identifiers: ClinVar variation 3026140 (VCV003026140.23), dbSNP rs371546648, ClinGen allele CA7284107.

ClinVar aggregate classification (germline): Likely benign. Review status: criteria provided, single submitter (1 of 4 stars). 2 submissions from 2 submitters: Likely benign (1). 1 of the submissions does not count toward it. Last evaluated 2023-12-01.

Conditions:
IRF2BPL-related disorder. Also called: IRF2BPL-related condition. Identifiers: MedGen CN381093.

Allele frequency attached by ClinVar (database versions not stated): gnomAD exomes 0.00001; ExAC 0.00002; TOPMed 0.00006; ESP Exome Variant Server 0.00008; gnomAD 0.00009.
gnomAD v4.1: 29 of 1,610,152 alleles (0.0018%); highest among the groups gnomAD compares: African/African-American, 0.026%; no homozygotes.

Submissions (2):

CeGaT Center for Human Genetics Tuebingen
Classification: Likely benign. Last evaluated: 2023-12-01. Review status: criteria provided, single submitter. Criteria: CeGaT Center For Human Genetics Tuebingen Variant Classification Criteria Version 2. Collection method: clinical testing. Allele origin: germline. Affected: yes. Observed: 1 variant allele.
Comment: IRF2BPL: BP4, BP7

PreventionGenetics, part of Exact Sciences
Classification: Likely benign for IRF2BPL-related condition. Last evaluated: 2019-05-24. Review status: no assertion criteria provided. Collection method: clinical testing. Allele origin: germline. Not counted in ClinVar's aggregate classification.
Comment: This variant is classified as likely benign based on ACMG/AMP sequence variant interpretation guidelines (Richards et al. 2015 PMID: 25741868, with internal and published modifications).